The following is an entry in ClinVar:

ClinVar aggregate classification (germline): Benign/Likely benign. Review status: criteria provided, multiple submitters, no conflicts (2 of 4 stars). 6 submissions from 5 submitters: Benign (3); Likely benign (2). 1 of the submissions does not count toward it. Last evaluated 2026-02-01.

Conditions:
Leigh syndrome (NULS). Also called: Leigh Disease; Subacute necrotizing encephalopathy; Necrotizing encephalopathy infantile subacute of Leigh; Leigh Syndrome (mtDNA deletion); Leigh's syndrome; LEIGH SYNDROME, NUCLEAR. Identifiers: Orphanet 506, MedGen C2931891, MONDO:0009723, OMIM 256000.
Mitochondrial complex IV deficiency, nuclear type 1 (MC4DN1). Also called: Mitochondrial complex IV deficiency; Complex 4 mitochondrial respiratory chain deficiency; Deficiency of mitochondrial respiratory chain complex4; Complex IV deficiency; COX DEFICIENCY. Identifiers: MedGen C5435656, MONDO:0700250, OMIM 220110. Disease mechanism: loss of function.

Allele frequency attached by ClinVar (database versions not stated): 1000 Genomes Project 0.03315; 1000 Genomes Project 30x 0.03389; TOPMed 0.04481; ESP Exome Variant Server 0.04829; gnomAD 0.05441 and 0.05496; gnomAD exomes 0.05890 and 0.06777; ExAC 0.05946.
gnomAD v4.1: 106,960 of 1,613,798 alleles (6.6%); highest among the groups gnomAD compares: Non-Finnish European, 7.2%; 3,999 homozygotes.

Submissions (6):

Labcorp Genetics (formerly Invitae), Labcorp
Classification: Benign. Last evaluated: 2026-02-01. Review status: criteria provided, single submitter. Criteria: Invitae Variant Classification Sherloc (09022015). Collection method: clinical testing. Allele origin: germline.

Illumina Laboratory Services, Illumina
Classification: Likely benign for Mitochondrial complex IV deficiency, nuclear type 1. Last evaluated: 2018-01-12. Review status: criteria provided, single submitter. Criteria: ICSL Variant Classification Criteria 13 December 2019. Collection method: clinical testing. Allele origin: germline.
Comment: This variant was observed in the ICSL laboratory as part of a predisposition screen in an ostensibly healthy population. It had not been previously curated by ICSL or reported in the Human Gene Mutation Database (HGMD: prior to June 1st, 2018), and was therefore a candidate for classification through an automated scoring system. Utilizing variant allele frequency, disease prevalence and penetrance estimates, and inheritance mode, an automated score was calculated to assess if this variant is too frequent to cause the disease. Based on the score and internal cut-off values, a variant classified as likely benign is not then subjected to further curation. The score for this variant resulted in a classification of likely benign for this disease.

Illumina Laboratory Services, Illumina
Classification: Benign for Leigh syndrome. Last evaluated: 2018-01-12. Review status: criteria provided, single submitter. Criteria: ICSL Variant Classification Criteria 13 December 2019. Collection method: clinical testing. Allele origin: germline.
Comment: This variant was observed in the ICSL laboratory as part of a predisposition screen in an ostensibly healthy population. It had not been previously curated by ICSL or reported in the Human Gene Mutation Database (HGMD: prior to June 1st, 2018), and was therefore a candidate for classification through an automated scoring system. Utilizing variant allele frequency, disease prevalence and penetrance estimates, and inheritance mode, an automated score was calculated to assess if this variant is too frequent to cause the disease. Based on the score and internal cut-off values, a variant classified as benign is not then subjected to further curation. The score for this variant resulted in a classification of benign for this disease.

GeneDx
Classification: Benign. Last evaluated: 2014-06-30. Review status: criteria provided, single submitter. Criteria: GeneDx Variant Classification (06012015). Collection method: clinical testing. Allele origin: germline. Affected: yes.
Comment: This variant is considered likely benign or benign based on one or more of the following criteria: it is a conservative change, it occurs at a poorly conserved position in the protein, it is predicted to be benign by multiple in silico algorithms, and/or has population frequency not consistent with disease.

Breakthrough Genomics
Classification: Likely benign. Review status: criteria provided, single submitter. Criteria: ACMG Guidelines, 2015. Collection method: not provided. Allele origin: germline. Inheritance: Autosomal recessive inheritance. Affected: yes.

Mayo Clinic Laboratories, Mayo Clinic
Classification: Benign. Last evaluated: 2016-02-23. Review status: no assertion criteria provided. Collection method: clinical testing. Allele origin: unknown. Not counted in ClinVar's aggregate classification.

NM_001303.4(COX10):c.33C>T (p.Arg11=)

Genes: COX10 (cytochrome c oxidase assembly factor heme A:farnesyltransferase COX10; plus strand), LOC130060303 (ATAC-STARR-seq lymphoblastoid active region 11742; plus strand). Cytogenetic location: 17p12.
Variant type: single nucleotide variant.
Coding change: c.33C>T on transcript NM_001303.4 (MANE Select); coding-DNA position 33, C replaced by T.
Protein change: p.Arg11=; no amino-acid change (arginine 11 retained).
Molecular consequence: synonymous variant.
Genome position (GRCh38, 1-based): chr17:14,069,638, C>T. VCF-style: chr17-14069638-C-T. GRCh37 (hg19) VCF-style: chr17-13972955-C-T.
Other names: p.R11R:CGC>CGT.
Identifiers: ClinVar variation 137005 (VCV000137005.17), dbSNP rs8076787, ClinGen allele CA290470.